The following is an entry in ClinVar:

NM_001999.4(FBN2):c.8080C>T (p.His2694Tyr)

Gene: FBN2 (fibrillin 2; minus strand). Cytogenetic location: 5q23.3.
Variant type: single nucleotide variant.
Coding change: c.8080C>T on transcript NM_001999.4 (MANE Select); coding-DNA position 8080, C replaced by T.
Protein change: p.His2694Tyr; replaces histidine 2694 with tyrosine.
Molecular consequence: missense variant.
Genome position (GRCh38, 1-based): chr5:128,263,537, G>A on the plus strand (C>T on the coding strand, the complement: FBN2 is on the minus strand). VCF-style: chr5-128263537-G-A. GRCh37 (hg19) VCF-style: chr5-127599229-G-A.
Other names: short protein forms H2694Y.
Identifiers: ClinVar variation 1384419 (VCV001384419.6), dbSNP rs1387382061, ClinGen allele CA360748544.

ClinVar aggregate classification (germline): Uncertain significance (1 of 4 stars; one submission).

Conditions:
Congenital contractural arachnodactyly (CCA). Also called: Beals-Hecht syndrome; Arthrogryposis, distal, type 9; BEALS SYNDROME. Identifiers: Orphanet 115, MedGen C0220668, MONDO:0007363, OMIM 121050.

Submission:

Labcorp Genetics (formerly Invitae), Labcorp
Classification: Uncertain significance for Congenital contractural arachnodactyly. Last evaluated: 2022-02-25. Review status: criteria provided, single submitter. Criteria: Invitae Variant Classification Sherloc (09022015). Collection method: clinical testing. Allele origin: germline.
Comment: In summary, the available evidence is currently insufficient to determine the role of this variant in disease. Therefore, it has been classified as a Variant of Uncertain Significance. Advanced modeling of protein sequence and biophysical properties (such as structural, functional, and spatial information, amino acid conservation, physicochemical variation, residue mobility, and thermodynamic stability) performed at Invitae indicates that this missense variant is not expected to disrupt FBN2 protein function. This variant has not been reported in the literature in individuals affected with FBN2-related conditions. This variant is not present in population databases (gnomAD no frequency). This sequence change replaces histidine, which is basic and polar, with tyrosine, which is neutral and polar, at codon 2694 of the FBN2 protein (p.His2694Tyr).